The following is an entry in ClinVar:

NM_002907.4(RECQL):c.1807dup (p.Ser603fs)

Genes: PYROXD1 (pyridine nucleotide-disulphide oxidoreductase domain 1; plus strand), RECQL (RecQ like helicase; minus strand). Cytogenetic location: 12p12.1.
Variant type: Duplication.
Coding change: c.1807dup on transcript NM_002907.4 (MANE Select); coding-DNA position 1807, one base duplicated (T; older notation c.1807dupT).
Protein change: p.Ser603fs; shifts the reading frame from serine 603.
Molecular consequence: frameshift variant. On other transcripts: 3 prime UTR variant (3).
Genome position (GRCh38, 1-based): chr12:21,470,337, A duplicated on the plus strand (T on the coding strand, the reverse complement: RECQL is on the minus strand). VCF-style (leftmost placement, unchanged base first): chr12-21470336-G-GA. GRCh37 (hg19) VCF-style: chr12-21623270-G-GA.
Other names: c.1807dup, p.Ser603fs (NM_032941.3); c.*1583dup (NM_001350912.2, NM_001350913.2, NM_024854.5); short protein forms S603fs.
Identifiers: ClinVar variation 1473604 (VCV001473604.6), dbSNP rs2137306155, ClinGen allele CA2573148360.

ClinVar aggregate classification (germline): Uncertain significance (1 of 4 stars; one submission).

Submission:

Labcorp Genetics (formerly Invitae), Labcorp
Classification: Uncertain significance. Last evaluated: 2021-08-16. Review status: criteria provided, single submitter. Criteria: Invitae Variant Classification Sherloc (09022015). Collection method: clinical testing. Allele origin: germline.
Comment: This sequence change creates a premature translational stop signal (p.Ser603Phefs*7) in the RECQL gene. While this is not anticipated to result in nonsense mediated decay, it is expected to disrupt the last 47 amino acid(s) of the RECQL protein. This variant is not present in population databases (ExAC no frequency). This variant has not been reported in the literature in individuals affected with RECQL-related conditions. Experimental studies and prediction algorithms are not available or were not evaluated, and the functional significance of this variant is currently unknown. In summary, the available evidence is currently insufficient to determine the role of this variant in disease. Therefore, it has been classified as a Variant of Uncertain Significance.